The following is an entry in ClinVar:

NM_000089.4(COL1A2):c.640-10_640-9del

Gene: COL1A2 (collagen type I alpha 2 chain; plus strand). Cytogenetic location: 7q21.3.
Variant type: Deletion.
Coding change: c.640-10_640-9del on transcript NM_000089.4 (MANE Select); 10 bases into the intron before coding-DNA position 640 through 9 bases into the intron before coding-DNA position 640, 2 bases deleted (CT; older notation c.640-10_640-9delCT).
Molecular consequence: intron variant.
Genome position (GRCh38, 1-based): chr7:94,408,173-94,408,174, CT deleted; deleting any 2 consecutive bases within chr7:94,408,172-94,408,174 gives the same sequence; the c. name uses the placement nearest the transcript's 3' end. VCF-style (leftmost placement, unchanged base first): chr7-94408171-TTC-T. GRCh37 (hg19) VCF-style: chr7-94037483-TTC-T.
Other names: c.640-10_640-9delCT (NM_000089.4).
Identifiers: ClinVar variation 3763649 (VCV003763649.3).

ClinVar aggregate classification (germline): Likely benign. Review status: criteria provided, multiple submitters, no conflicts (2 of 4 stars). 2 submissions from 2 submitters: Likely benign (2). Last evaluated 2025-11-13.

Conditions:
Ehlers-Danlos syndrome, classic type, 1 (EDSCL1). Also called: EHLERS-DANLOS SYNDROME, GRAVIS TYPE; EHLERS-DANLOS SYNDROME, SEVERE CLASSIC TYPE; Ehlers-Danlos syndrome, type 1; Ehlers-Danlos Syndrome, Classic Type, COL5A1-Related; EDS I. Identifiers: MedGen C0268335, MONDO:0019567, OMIM 130000.
Osteogenesis imperfecta type I (OI1). Also called: OI, TYPE I; OSTEOGENESIS IMPERFECTA TARDA; OSTEOGENESIS IMPERFECTA WITH BLUE SCLERAE; Osteogenesis imperfecta type 1; Lobstein's Disease; Lobstein disease. Identifiers: Orphanet 216796, Orphanet 666, MedGen C0023931, MONDO:0008146, OMIM 166200. Disease mechanism: loss of function.

Submissions (2):

Women's Health and Genetics/Laboratory Corporation of America, LabCorp
Classification: Likely benign. Last evaluated: 2025-11-13. Review status: criteria provided, single submitter. Criteria: LabCorp Variant Classification Summary - May 2015. Collection method: clinical testing. Allele origin: germline.
Comment: Variant summary: COL1A2 c.640-10_640-9delCT alters a conserved nucleotide located at a position not widely known to affect splicing. Consensus agreement among computation tools predict no significant impact on normal splicing. However, these predictions have yet to be confirmed by functional studies. The frequency data for this variant in gnomAD is considered unreliable, as metrics indicate poor data quality at this position. To our knowledge, no occurrence of c.640-10_640-9delCT in individuals affected with COL1A2-related conditions and no experimental evidence demonstrating its impact on protein function have been reported. ClinVar contains an entry for this variant (Variation ID: 3763649). Based on the evidence outlined above, the variant was classified as likely benign.

Labcorp Genetics (formerly Invitae), Labcorp
Classification: Likely benign for Osteogenesis imperfecta type I; Ehlers-Danlos syndrome, classic type, 1. Last evaluated: 2024-07-12. Review status: criteria provided, single submitter. Criteria: Invitae Variant Classification Sherloc (09022015). Collection method: clinical testing. Allele origin: germline.